The following is an entry in ClinVar:

NM_018027.5(FRMD4A):c.609C>T (p.Ile203=)

Genes: FRMD4A (FERM domain containing 4A; minus strand), LOC124403913 (Sharpr-MPRA regulatory region 15561; plus strand). Cytogenetic location: 10p13.
Variant type: single nucleotide variant.
Coding change: c.609C>T on transcript NM_018027.5 (MANE Select); coding-DNA position 609, C replaced by T.
Protein change: p.Ile203=; no amino-acid change (isoleucine 203 retained).
Molecular consequence: synonymous variant.
Genome position (GRCh38, 1-based): chr10:13,740,517, G>A on the plus strand (C>T on the coding strand, the complement: FRMD4A is on the minus strand). VCF-style: chr10-13740517-G-A. GRCh37 (hg19) VCF-style: chr10-13782517-G-A.
Other names: c.657C>T, p.Ile219= (NM_001318336.2); c.708C>T, p.Ile236= (NM_001318337.2).
Identifiers: ClinVar variation 3777770 (VCV003777770.7).

ClinVar aggregate classification (germline): Benign (1 of 4 stars; one submission).

gnomAD v4.1: 19,407 of 1,568,952 alleles (1.2%); highest among the groups gnomAD compares: Non-Finnish European, 1.3%; 195 homozygotes.

Submission:

CeGaT Center for Human Genetics Tuebingen
Classification: Benign. Last evaluated: 2026-04-01. Review status: criteria provided, single submitter. Criteria: CeGaT Center For Human Genetics Tuebingen Variant Classification Criteria Version 2. Collection method: clinical testing. Allele origin: germline. Affected: yes. Observed: 8 variant alleles.
Comment: FRMD4A: BP4, BP7, BS1, BS2